The following is an entry in ClinVar:

NM_181882.3(PRX):c.161C>T (p.Ala54Val)

Gene: PRX (periaxin; minus strand). Cytogenetic location: 19q13.2.
Variant type: single nucleotide variant.
Coding change: c.161C>T on transcript NM_181882.3 (MANE Select); coding-DNA position 161, C replaced by T.
Protein change: p.Ala54Val; replaces alanine 54 with valine.
Molecular consequence: missense variant.
Genome position (GRCh38, 1-based): chr19:40,403,729, G>A on the plus strand (C>T on the coding strand, the complement: PRX is on the minus strand). VCF-style: chr19-40403729-G-A. GRCh37 (hg19) VCF-style: chr19-40909636-G-A.
Other names: c.161C>T, p.Ala54Val (NM_020956.2); c.161C>T (NM_181882.2); short protein forms A54V.
Identifiers: ClinVar variation 1485962 (VCV001485962.7), dbSNP rs774974168, ClinGen allele CA9444567.
Genomic context (GRCh38, chr19:40,403,729, plus strand): 5'-GCAGTTCGACCCCGCCCCACACCCCGGGCCCGCCCACCTTCCTGCAGGCTGAGGCTCCTG[G>A]CGGCGGGTGAGTCCTCGCGCAGCTCCCGAACGAAGATTCCCTCTTTGCCGCCGCCCGCTA-3'
Protein context (NP_870998.2, residues 44-64): VRELREDSPA[Ala54Val]RSLSLQEGDQ

ClinVar aggregate classification (germline): Uncertain significance. Review status: criteria provided, multiple submitters, no conflicts (2 of 4 stars). 2 submissions from 2 submitters: Uncertain significance (2). Last evaluated 2025-05-29.

Conditions:
PRX-related disorder. Also called: PRX-related condition; PRX-Related Disorders.
Charcot-Marie-Tooth disease type 4. Also called: Charcot-Marie-Tooth, Type 4; Charcot-Marie-Tooth disease, type IV. Identifiers: Orphanet 64749, MedGen C4082197, MONDO:0018995.

Allele frequency attached by ClinVar (database versions not stated): gnomAD exomes 0.00002; ExAC 0.00005.
gnomAD v4.1: 8 of 1,564,890 alleles (0.00051%); highest among the groups gnomAD compares: South Asian, 0.0082%; no homozygotes.

Submissions (2):

PreventionGenetics, part of Exact Sciences
Classification: Uncertain significance for PRX-related condition. Last evaluated: 2025-05-29. Review status: criteria provided, single submitter. Criteria: ACMG Guidelines, 2015. Collection method: clinical testing. Allele origin: germline.
Comment: The PRX c.161C>T variant is predicted to result in the amino acid substitution p.Ala54Val. To our knowledge, this variant has not been reported in the literature. This variant is reported in 0.0082% of alleles in individuals of South Asian descent in gnomAD. At this time, the clinical significance of this variant is uncertain due to the absence of conclusive functional and genetic evidence.

Labcorp Genetics (formerly Invitae), Labcorp
Classification: Uncertain significance for Charcot-Marie-Tooth disease type 4. Last evaluated: 2021-11-21. Review status: criteria provided, single submitter. Criteria: Invitae Variant Classification Sherloc (09022015). Collection method: clinical testing. Allele origin: germline.
Comment: This sequence change replaces alanine, which is neutral and non-polar, with valine, which is neutral and non-polar, at codon 54 of the PRX protein (p.Ala54Val). In summary, the available evidence is currently insufficient to determine the role of this variant in disease. Therefore, it has been classified as a Variant of Uncertain Significance. Algorithms developed to predict the effect of missense changes on protein structure and function are either unavailable or do not agree on the potential impact of this missense change (SIFT: "Deleterious"; PolyPhen-2: "Benign"; Align-GVGD: "Class C0"). This variant has not been reported in the literature in individuals affected with PRX-related conditions. The frequency data for this variant in the population databases is considered unreliable, as metrics indicate poor data quality at this position in the gnomAD database.